The following is an entry in ClinVar:

ClinVar aggregate classification (germline): Uncertain significance (1 of 4 stars; one submission).

Conditions:
Hereditary cancer-predisposing syndrome. Also called: Neoplastic Syndromes, Hereditary; Tumor predisposition; Hereditary Cancer Syndrome; Hereditary neoplastic syndrome. Identifiers: Orphanet 140162, MedGen C0027672, MeSH D009386, MONDO:0015356.

Submission:

Ambry Genetics
Classification: Uncertain significance for Hereditary cancer-predisposing syndrome. Last evaluated: 2024-06-26. Review status: criteria provided, single submitter. Criteria: Ambry Variant Classification Scheme 2023. Collection method: clinical testing. Allele origin: germline.
Comment: The p.L137V variant (also known as c.409T>G), located in coding exon 3 of the PDGFRA gene, results from a T to G substitution at nucleotide position 409. The leucine at codon 137 is replaced by valine, an amino acid with highly similar properties. This amino acid position is conserved. In addition, this alteration is predicted to be tolerated by in silico analysis. Based on the available evidence, the clinical significance of this variant remains unclear.

NM_006206.6(PDGFRA):c.409T>G (p.Leu137Val)

Gene: PDGFRA (platelet derived growth factor receptor alpha; plus strand). Cytogenetic location: 4q12.
Variant type: single nucleotide variant.
Coding change: c.409T>G on transcript NM_006206.6 (MANE Select); coding-DNA position 409, T replaced by G.
Protein change: p.Leu137Val; replaces leucine 137 with valine.
Molecular consequence: missense variant.
Genome position (GRCh38, 1-based): chr4:54,263,708, T>G. VCF-style: chr4-54263708-T-G. GRCh37 (hg19) VCF-style: chr4-55129875-T-G.
Other names: c.409T>G, p.Leu137Val (NM_001347827.2, NM_001347829.2); c.484T>G, p.Leu162Val (NM_001347828.2); c.448T>G, p.Leu150Val (NM_001347830.2); short protein forms L150V, L162V, L137V.
Identifiers: ClinVar variation 3416384 (VCV003416384.1).